The following is an entry in ClinVar:

ClinVar aggregate classification (germline): Benign. Review status: criteria provided, multiple submitters, no conflicts (2 of 4 stars). 9 submissions from 9 submitters: Benign (8). 1 of the submissions does not count toward it. Last evaluated 2026-02-03.

Conditions:
Mitochondrial DNA depletion syndrome, encephalomyopathic form with methylmalonic aciduria (MTDPS5). Also called: Mitochondrial encephalomyopathy aminoacidopathy; MITOCHONDRIAL DNA DEPLETION SYNDROME, ENCEPHALOMYOPATHIC FORM, WITH OR WITHOUT METHYLMALONIC ACIDURIA, AUTOSOMAL RECESSIVE, SUCLA2-RELATED; SUCLA2-Related Mitochondrial DNA Depletion Syndrome, Encephalomyopathic Form with Methylmalonic Aciduria; Mitochondrial DNA depletion syndrome 5 (encephalomyopathic with or without methylmalonic aciduria). Identifiers: Orphanet 1933, MedGen C5980207, MONDO:0012791, OMIM 612073.

Allele frequency attached by ClinVar (database versions not stated): ESP Exome Variant Server 0.00085; gnomAD exomes 0.00501 and 0.01695; gnomAD 0.00851 and 0.00951; TOPMed 0.01164; ExAC 0.01337; 1000 Genomes Project 0.02296; 1000 Genomes Project 30x 0.02374.
gnomAD v4.1: 8,785 of 1,613,104 alleles (0.54%); highest among the groups gnomAD compares: Admixed American, 8.9%; 404 homozygotes.

Submissions (9):

Labcorp Genetics (formerly Invitae), Labcorp
Classification: Benign for Mitochondrial DNA depletion syndrome, encephalomyopathic form with methylmalonic aciduria. Last evaluated: 2026-02-03. Review status: criteria provided, single submitter. Criteria: Invitae Variant Classification Sherloc (09022015). Collection method: clinical testing. Allele origin: germline.

ARUP Laboratories, Molecular Genetics and Genomics, ARUP Laboratories
Classification: Benign for Mitochondrial DNA depletion syndrome, encephalomyopathic form with methylmalonic aciduria. Last evaluated: 2023-11-11. Review status: criteria provided, single submitter. Criteria: ARUP Molecular Germline Variant Investigation Process 2024. Collection method: clinical testing. Allele origin: germline.

Illumina Laboratory Services, Illumina
Classification: Benign for Mitochondrial DNA depletion syndrome, encephalomyopathic form with methylmalonic aciduria. Last evaluated: 2018-01-12. Review status: criteria provided, single submitter. Criteria: ICSL Variant Classification Criteria 13 December 2019. Collection method: clinical testing. Allele origin: germline.
Comment: This variant was observed in the ICSL laboratory as part of a predisposition screen in an ostensibly healthy population. It had not been previously curated by ICSL or reported in the Human Gene Mutation Database (HGMD: prior to June 1st, 2018), and was therefore a candidate for classification through an automated scoring system. Utilizing variant allele frequency, disease prevalence and penetrance estimates, and inheritance mode, an automated score was calculated to assess if this variant is too frequent to cause the disease. Based on the score and internal cut-off values, a variant classified as benign is not then subjected to further curation. The score for this variant resulted in a classification of benign for this disease.

Athena Diagnostics
Classification: Benign. Last evaluated: 2017-06-29. Review status: criteria provided, single submitter. Criteria: Athena Diagnostics Criteria. Collection method: clinical testing. Allele origin: germline.

Eurofins Ntd Llc (ga)
Classification: Benign. Last evaluated: 2016-01-28. Review status: criteria provided, single submitter. Criteria: EGL Classification Definitions 2015. Collection method: clinical testing. Allele origin: germline. Observed: 1 variant allele, 1 heterozygote.

GeneDx
Classification: Benign. Last evaluated: 2011-11-30. Review status: criteria provided, single submitter. Criteria: GeneDx Variant Classification (06012015). Collection method: clinical testing. Allele origin: germline. Affected: yes.
Comment: This variant is considered likely benign or benign based on one or more of the following criteria: it is a conservative change, it occurs at a poorly conserved position in the protein, it is predicted to be benign by multiple in silico algorithms, and/or has population frequency not consistent with disease.

Breakthrough Genomics
Classification: Benign. Review status: criteria provided, single submitter. Criteria: ACMG Guidelines, 2015. Collection method: not provided. Allele origin: germline. Inheritance: Autosomal recessive inheritance. Affected: yes.

PreventionGenetics, part of Exact Sciences
Classification: Benign. Review status: criteria provided, single submitter. Criteria: ACMG Guidelines, 2015. Collection method: clinical testing. Allele origin: germline.

Mayo Clinic Laboratories, Mayo Clinic
Classification: Benign. Last evaluated: 2017-06-13. Review status: no assertion criteria provided. Collection method: clinical testing. Allele origin: unknown. Not counted in ClinVar's aggregate classification.

NM_003850.3(SUCLA2):c.1099G>A (p.Asp367Asn)

Gene: SUCLA2 (succinate-CoA ligase ADP-forming subunit beta; minus strand). Cytogenetic location: 13q14.2.
Variant type: single nucleotide variant.
Coding change: c.1099G>A on transcript NM_003850.3 (MANE Select); coding-DNA position 1099, G replaced by A.
Protein change: p.Asp367Asn; replaces aspartic acid 367 with asparagine.
Molecular consequence: missense variant.
Genome position (GRCh38, 1-based): chr13:47,954,148, C>T on the plus strand (G>A on the coding strand, the complement: SUCLA2 is on the minus strand). VCF-style: chr13-47954148-C-T. GRCh37 (hg19) VCF-style: chr13-48528283-C-T.
Other names: p.D367N:GAT>AAT; short protein forms D367N.
Identifiers: ClinVar variation 139362 (VCV000139362.30), dbSNP rs117412559, ClinGen allele CA293807.
Genomic context (GRCh38, chr13:47,954,148, plus strand): 5'-ATTTATTTTATATATTTACATGATATAAAAATATATCAAGCCCTGCCCTTACCTTTTTAT[C>T]TGAAGTGATAAGCTTAAATGCTTCTGTTACTTGATGGACTGTAGCACCACCACCAACATC-3'
Protein context (NP_003841.1, residues 357-377): VTEAFKLITS[Asp367Asn]KKVLAILVNI